The following is an entry in ClinVar:

ClinVar aggregate classification (germline): Benign/Likely benign. Review status: criteria provided, multiple submitters, no conflicts (2 of 4 stars). 2 submissions from 2 submitters: Benign (1); Likely benign (1). Last evaluated 2025-03-01.

Allele frequency attached by ClinVar (database versions not stated): ESP Exome Variant Server 0.00202; ExAC 0.00205; 1000 Genomes Project 30x 0.00219; 1000 Genomes Project 0.00220; gnomAD 0.00223 and 0.00229; gnomAD exomes 0.00225 and 0.00308; TOPMed 0.00271.
gnomAD v4.1: 4,836 of 1,614,122 alleles (0.3%); highest among the groups gnomAD compares: Non-Finnish European, 0.34%; 12 homozygotes.

Submissions (2):

CeGaT Center for Human Genetics Tuebingen
Classification: Likely benign. Last evaluated: 2025-03-01. Review status: criteria provided, single submitter. Criteria: CeGaT Center For Human Genetics Tuebingen Variant Classification Criteria Version 2. Collection method: clinical testing. Allele origin: germline. Affected: yes. Observed: 1 variant allele.
Comment: HIVEP1: BP4, BS2

Labcorp Genetics (formerly Invitae), Labcorp
Classification: Benign. Last evaluated: 2019-12-31. Review status: criteria provided, single submitter. Criteria: Invitae Variant Classification Sherloc (09022015). Collection method: clinical testing. Allele origin: germline.

NM_002114.4(HIVEP1):c.7331C>T (p.Thr2444Met)

Gene: HIVEP1 (HIVEP zinc finger 1; plus strand). Cytogenetic location: 6p24.1.
Variant type: single nucleotide variant.
Coding change: c.7331C>T on transcript NM_002114.4 (MANE Select); coding-DNA position 7331, C replaced by T.
Protein change: p.Thr2444Met; replaces threonine 2444 with methionine.
Molecular consequence: missense variant.
Genome position (GRCh38, 1-based): chr6:12,163,635, C>T. VCF-style: chr6-12163635-C-T. GRCh37 (hg19) VCF-style: chr6-12163868-C-T.
Other names: short protein forms T2444M.
Identifiers: ClinVar variation 774863 (VCV000774863.11), dbSNP rs2228214, ClinGen allele CA3638382.